The following is an entry in ClinVar:

ClinVar aggregate classification (germline): Uncertain significance (1 of 4 stars; one submission).

Allele frequency attached by ClinVar (database versions not stated): gnomAD exomes below 0.00001.

Submission:

Labcorp Genetics (formerly Invitae), Labcorp
Classification: Uncertain significance. Last evaluated: 2021-10-21. Review status: criteria provided, single submitter. Criteria: Invitae Variant Classification Sherloc (09022015). Collection method: clinical testing. Allele origin: germline.
Comment: This variant is not present in population databases (ExAC no frequency). This variant has not been reported in the literature in individuals affected with REST-related conditions. Algorithms developed to predict the effect of missense changes on protein structure and function (SIFT, PolyPhen-2, Align-GVGD) all suggest that this variant is likely to be disruptive. In summary, the available evidence is currently insufficient to determine the role of this variant in disease. Therefore, it has been classified as a Variant of Uncertain Significance. This sequence change replaces threonine with isoleucine at codon 348 of the REST protein (p.Thr348Ile). The threonine residue is highly conserved and there is a moderate physicochemical difference between threonine and isoleucine.

NM_005612.5(REST):c.1043C>T (p.Thr348Ile)

Gene: REST (RE1 silencing transcription factor; plus strand). Cytogenetic location: 4q12.
Variant type: single nucleotide variant.
Coding change: c.1043C>T on transcript NM_005612.5 (MANE Select); coding-DNA position 1043, C replaced by T.
Protein change: p.Thr348Ile; replaces threonine 348 with isoleucine.
Molecular consequence: missense variant.
Genome position (GRCh38, 1-based): chr4:56,929,901, C>T. VCF-style: chr4-56929901-C-T. GRCh37 (hg19) VCF-style: chr4-57796067-C-T.
Other names: c.1043C>T, p.Thr348Ile (NM_001193508.2, NM_001363453.3); short protein forms T348I.
Identifiers: ClinVar variation 1506892 (VCV001506892.6), dbSNP rs2109572710, ClinGen allele CA357005719.